The following is an entry in ClinVar:

ClinVar aggregate classification (germline): Uncertain significance. Review status: criteria provided, multiple submitters, no conflicts (2 of 4 stars). 2 submissions from 2 submitters: Uncertain significance (2). Last evaluated 2024-12-12.

Conditions:
Inborn genetic diseases. Identifiers: MedGen C0950123, MeSH D030342.

Allele frequency attached by ClinVar (database versions not stated): gnomAD 0.00001.
gnomAD v4.1: 2 of 1,613,812 alleles (0.00012%); highest among the groups gnomAD compares: Non-Finnish European, 0.00017%; no homozygotes.

Submissions (2):

Ambry Genetics
Classification: Uncertain significance for Inborn genetic diseases. Last evaluated: 2024-12-12. Review status: criteria provided, single submitter. Criteria: Ambry Variant Classification Scheme 2023. Collection method: clinical testing. Allele origin: germline.

Labcorp Genetics (formerly Invitae), Labcorp
Classification: Uncertain significance. Last evaluated: 2021-03-17. Review status: criteria provided, single submitter. Criteria: Invitae Variant Classification Sherloc (09022015). Collection method: clinical testing. Allele origin: germline.
Comment: This sequence change replaces glutamic acid with lysine at codon 69 of the TSFM protein (p.Glu69Lys). The glutamic acid residue is highly conserved and there is a small physicochemical difference between glutamic acid and lysine. This variant is not present in population databases (ExAC no frequency). This variant has not been reported in the literature in individuals with TSFM-related disease. Algorithms developed to predict the effect of missense changes on protein structure and function are either unavailable or do not agree on the potential impact of this missense change (SIFT: "Tolerated"; PolyPhen-2: "Possibly Damaging"; Align-GVGD: "Class C0"). In summary, the available evidence is currently insufficient to determine the role of this variant in disease. Therefore, it has been classified as a Variant of Uncertain Significance.

NM_005726.6(TSFM):c.205G>A (p.Glu69Lys)

Gene: TSFM (Ts translation elongation factor, mitochondrial; plus strand). Cytogenetic location: 12q14.1.
Variant type: single nucleotide variant.
Coding change: c.205G>A on transcript NM_005726.6 (MANE Select); coding-DNA position 205, G replaced by A.
Protein change: p.Glu69Lys; replaces glutamic acid 69 with lysine.
Molecular consequence: missense variant.
Genome position (GRCh38, 1-based): chr12:57,783,257, G>A. VCF-style: chr12-57783257-G-A. GRCh37 (hg19) VCF-style: chr12-58177040-G-A.
Other names: c.205G>A, p.Glu69Lys (NM_001172695.2, NM_001172696.2, NM_001172697.2); c.205G>A (NM_001172696.1); short protein forms E69K.
Identifiers: ClinVar variation 2142566 (VCV002142566.2), dbSNP rs1195733948, ClinGen allele CA385523915.
Genomic context (GRCh38, chr12:57,783,257, plus strand): 5'-CTCCTCATGAAGCTGCGGCGGAAAACAGGCTACTCCTTTGTAAATTGCAAGAAAGCTCTG[G>A]AGACTTGTGGCGGGGACCTCAAACAGGTGTGTGTGTGGAGGGGTGCAGGGCGGAGTACTA-3'
Protein context (NP_005717.3, residues 59-79): YSFVNCKKAL[Glu69Lys]TCGGDLKQAE